The following is an entry in ClinVar:

ClinVar aggregate classification (germline): Uncertain significance (1 of 4 stars; one submission).

Submission:

GeneDx
Classification: Uncertain significance. Last evaluated: 2024-01-03. Review status: criteria provided, single submitter. Criteria: GeneDx Variant Classification Process June 2021. Collection method: clinical testing. Allele origin: germline. Affected: yes.
Comment: Not observed at significant frequency in large population cohorts (gnomAD); In silico analysis supports that this missense variant does not alter protein structure/function; Has not been previously published as pathogenic or benign to our knowledge

NM_152703.5(SAMD9L):c.1960A>C (p.Thr654Pro)

Gene: SAMD9L (sterile alpha motif domain containing 9 like; minus strand). Cytogenetic location: 7q21.2.
Variant type: single nucleotide variant.
Coding change: c.1960A>C on transcript NM_152703.5 (MANE Select); coding-DNA position 1960, A replaced by C.
Protein change: p.Thr654Pro; replaces threonine 654 with proline.
Molecular consequence: missense variant.
Genome position (GRCh38, 1-based): chr7:93,134,012, T>G on the plus strand (A>C on the coding strand, the complement: SAMD9L is on the minus strand). VCF-style: chr7-93134012-T-G. GRCh37 (hg19) VCF-style: chr7-92763325-T-G.
Other names: c.1960A>C, p.Thr654Pro (NM_001303496.3, NM_001303497.3, NM_001303498.3 and 5 more transcripts); short protein forms T654P.
Identifiers: ClinVar variation 3367229 (VCV003367229.1).